The following is an entry in ClinVar:

NM_001849.4(COL6A2):c.649G>A (p.Ala217Thr)

Gene: COL6A2 (collagen type VI alpha 2 chain; plus strand). Cytogenetic location: 21q22.3.
Variant type: single nucleotide variant.
Coding change: c.649G>A on transcript NM_001849.4 (MANE Select); coding-DNA position 649, G replaced by A.
Protein change: p.Ala217Thr; replaces alanine 217 with threonine.
Molecular consequence: missense variant.
Genome position (GRCh38, 1-based): chr21:46,112,512, G>A. VCF-style: chr21-46112512-G-A. GRCh37 (hg19) VCF-style: chr21-47532426-G-A.
Other names: c.649G>A, p.Ala217Thr (NM_058174.3, NM_058175.3); short protein forms A217T.
Identifiers: ClinVar variation 340363 (VCV000340363.56), dbSNP rs530625182, ClinGen allele CA10071363.

ClinVar aggregate classification (germline): Conflicting classifications of pathogenicity. Review status: criteria provided, conflicting classifications (1 of 4 stars). 5 submissions from 5 submitters: Uncertain significance (2); Likely benign (3). Last evaluated 2025-06-05.

Conditions:
Collagen 6-related myopathy. Identifiers: MedGen CN117976, MONDO:0100225.
Bethlem myopathy 1A. Also called: Bethlem myopathy 1; Bethlem Muscular Dystrophy; MYOPATHY, BENIGN CONGENITAL, WITH CONTRACTURES. Identifiers: Orphanet 610, MedGen CN029274, MONDO:0024530, OMIM 158810.

Allele frequency attached by ClinVar (database versions not stated): gnomAD exomes 0.00002 and 0.00008; TOPMed 0.00002; ExAC 0.00004; gnomAD 0.00004; 1000 Genomes Project 30x 0.00016; 1000 Genomes Project 0.00020.

Submissions (5):

Labcorp Genetics (formerly Invitae), Labcorp
Classification: Likely benign for Bethlem myopathy 1A. Last evaluated: 2025-06-05. Review status: criteria provided, single submitter. Criteria: Invitae Variant Classification Sherloc (09022015). Collection method: clinical testing. Allele origin: germline.

Revvity Omics, Revvity
Classification: Uncertain significance. Last evaluated: 2025-03-14. Review status: criteria provided, single submitter. Criteria: ACMG Guidelines, 2015. Collection method: clinical testing. Allele origin: germline.

Blueprint Genetics
Classification: Likely benign. Last evaluated: 2024-05-23. Review status: criteria provided, single submitter. Criteria: ACMG Guidelines, 2015. Collection method: clinical testing. Allele origin: germline.

Illumina Laboratory Services, Illumina
Classification: Likely benign for Collagen VI-related myopathy. Last evaluated: 2018-01-13. Review status: criteria provided, single submitter. Criteria: ICSL Variant Classification Criteria 13 December 2019. Collection method: clinical testing. Allele origin: germline.
Comment: This variant was observed in the ICSL laboratory as part of a predisposition screen in an ostensibly healthy population. It had not been previously curated by ICSL or reported in the Human Gene Mutation Database (HGMD: prior to June 1st, 2018), and was therefore a candidate for classification through an automated scoring system. Utilizing variant allele frequency, disease prevalence and penetrance estimates, and inheritance mode, an automated score was calculated to assess if this variant is too frequent to cause the disease. Based on the score and internal cut-off values, a variant classified as likely benign is not then subjected to further curation. The score for this variant resulted in a classification of likely benign for this disease.

CeGaT Center for Human Genetics Tuebingen
Classification: Uncertain significance. Last evaluated: 2017-03-01. Review status: criteria provided, single submitter. Criteria: CeGaT Center For Human Genetics Tuebingen Variant Classification Criteria Version 2. Collection method: clinical testing. Allele origin: germline. Affected: yes. Observed: 1 variant allele.